The following is an entry in ClinVar:

NM_001378454.1(ALMS1):c.2358G>T (p.Glu786Asp)

Gene: ALMS1 (ALMS1 centrosome and basal body associated protein; plus strand). Cytogenetic location: 2p13.1.
Variant type: single nucleotide variant.
Coding change: c.2358G>T on transcript NM_001378454.1 (MANE Select); coding-DNA position 2358, G replaced by T.
Protein change: p.Glu786Asp; replaces glutamic acid 786 with aspartic acid.
Molecular consequence: missense variant.
Genome position (GRCh38, 1-based): chr2:73,448,885, G>T. VCF-style: chr2-73448885-G-T. GRCh37 (hg19) VCF-style: chr2-73676012-G-T.
Other names: c.2361G>T, p.Glu787Asp (NM_015120.4); short protein forms E787D, E786D.
Identifiers: ClinVar variation 1368809 (VCV001368809.6), dbSNP rs2103774906, ClinGen allele CA347269800.

ClinVar aggregate classification (germline): Uncertain significance (1 of 4 stars; one submission).

Conditions:
Alstrom syndrome (ALMS). Identifiers: Orphanet 64, MedGen C0268425, MONDO:0008763, OMIM 203800.

Submission:

Labcorp Genetics (formerly Invitae), Labcorp
Classification: Uncertain significance for Alstrom syndrome. Last evaluated: 2022-02-04. Review status: criteria provided, single submitter. Criteria: Invitae Variant Classification Sherloc (09022015). Collection method: clinical testing. Allele origin: germline.
Comment: This variant has not been reported in the literature in individuals affected with ALMS1-related conditions. In summary, the available evidence is currently insufficient to determine the role of this variant in disease. Therefore, it has been classified as a Variant of Uncertain Significance. Experimental studies and prediction algorithms are not available or were not evaluated, and the functional significance of this variant is currently unknown. This variant is not present in population databases (gnomAD no frequency). This sequence change replaces glutamic acid with aspartic acid at codon 787 of the ALMS1 protein (p.Glu787Asp). The glutamic acid residue is moderately conserved and there is a small physicochemical difference between glutamic acid and aspartic acid.